The following is an entry in ClinVar:

ClinVar aggregate classification (germline): Uncertain significance. Review status: criteria provided, multiple submitters, no conflicts (2 of 4 stars). 2 submissions from 2 submitters: Uncertain significance (2). Last evaluated 2024-06-15.

Conditions:
Hereditary breast ovarian cancer syndrome. Also called: BRCA1- and BRCA2-Associated Hereditary Breast and Ovarian Cancer; Hereditary breast and ovarian cancer; Hereditary breast and ovarian cancer syndrome (HBOC); Breast and ovarian cancer; Hereditary breast and ovarian cancer syndrome; Hereditary breast and/or ovarian cancer syndrome. Identifiers: Orphanet 145, MedGen C0677776, MeSH D061325, MONDO:0003582. Disease mechanism: loss of function.
Hereditary cancer-predisposing syndrome. Also called: Hereditary neoplastic syndrome; Tumor predisposition; Hereditary Cancer Syndrome; Neoplastic Syndromes, Hereditary. Identifiers: Orphanet 140162, MedGen C0027672, MeSH D009386, MONDO:0015356.

Allele frequency attached by ClinVar (database versions not stated): gnomAD exomes below 0.00001.
gnomAD v4.1: 1 of 1,608,908 alleles (0.000062%); highest among the groups gnomAD compares: South Asian, 0.0011%; no homozygotes.

Submissions (2):

Labcorp Genetics (formerly Invitae), Labcorp
Classification: Uncertain significance for Hereditary breast ovarian cancer syndrome. Last evaluated: 2024-06-15. Review status: criteria provided, single submitter. Criteria: Invitae Variant Classification Sherloc (09022015). Collection method: clinical testing. Allele origin: germline.
Comment: This sequence change replaces isoleucine, which is neutral and non-polar, with valine, which is neutral and non-polar, at codon 2209 of the BRCA2 protein (p.Ile2209Val). This variant is not present in population databases (gnomAD no frequency). This variant has not been reported in the literature in individuals affected with BRCA2-related conditions. ClinVar contains an entry for this variant (Variation ID: 2586315). Advanced modeling of protein sequence and biophysical properties (such as structural, functional, and spatial information, amino acid conservation, physicochemical variation, residue mobility, and thermodynamic stability) performed at Invitae indicates that this missense variant is not expected to disrupt BRCA2 protein function with a negative predictive value of 95%. In summary, the available evidence is currently insufficient to determine the role of this variant in disease. Therefore, it has been classified as a Variant of Uncertain Significance.

Ambry Genetics
Classification: Uncertain significance for Hereditary cancer-predisposing syndrome. Last evaluated: 2023-09-05. Review status: criteria provided, single submitter. Criteria: Ambry Variant Classification Scheme 2023. Collection method: clinical testing. Allele origin: germline.
Comment: The p.I2209V variant (also known as c.6625A>G), located in coding exon 10 of the BRCA2 gene, results from an A to G substitution at nucleotide position 6625. The isoleucine at codon 2209 is replaced by valine, an amino acid with highly similar properties. This amino acid position is poorly conserved in available vertebrate species. In addition, this alteration is predicted to be tolerated by in silico analysis. Since supporting evidence is limited at this time, the clinical significance of this alteration remains unclear.

NM_000059.4(BRCA2):c.6625A>G (p.Ile2209Val)

Gene: BRCA2 (BRCA2 DNA repair associated; plus strand). Cytogenetic location: 13q13.1.
Variant type: single nucleotide variant.
Coding change: c.6625A>G on transcript NM_000059.4 (MANE Select); coding-DNA position 6625, A replaced by G.
Protein change: p.Ile2209Val; replaces isoleucine 2209 with valine.
Molecular consequence: missense variant. On other transcripts: non-coding transcript variant (1), intron variant (2).
Genome position (GRCh38, 1-based): chr13:32,340,980, A>G. VCF-style: chr13-32340980-A-G. GRCh37 (hg19) VCF-style: chr13-32915117-A-G.
Other names: c.6625A>G, p.Ile2209Val (NM_001406719.1, NM_001406720.1); c.1910-3578A>G (NM_001406721.1); c.425-3578A>G (NM_001406722.1); short protein forms I2209V.
Identifiers: ClinVar variation 2586315 (VCV002586315.4), dbSNP rs2137529154, ClinGen allele CA387790241.